The following is an entry in ClinVar:

NM_019066.5(MAGEL2):c.503C>T (p.Pro168Leu)

Gene: MAGEL2 (MAGE family member L2; minus strand). Cytogenetic location: 15q11.2.
Variant type: single nucleotide variant.
Coding change: c.503C>T on transcript NM_019066.5 (MANE Select); coding-DNA position 503, C replaced by T.
Protein change: p.Pro168Leu; replaces proline 168 with leucine.
Molecular consequence: missense variant.
Genome position (GRCh38, 1-based): chr15:23,647,240, G>A on the plus strand (C>T on the coding strand, the complement: MAGEL2 is on the minus strand). VCF-style: chr15-23647240-G-A. GRCh37 (hg19) VCF-style: chr15-23892387-G-A.
Other names: short protein forms P168L.
Identifiers: ClinVar variation 2899111 (VCV002899111.3), dbSNP rs1377335007, ClinGen allele CA391337093.

ClinVar aggregate classification (germline): Uncertain significance (1 of 4 stars; one submission).

Submission:

Labcorp Genetics (formerly Invitae), Labcorp
Classification: Uncertain significance. Last evaluated: 2022-11-21. Review status: criteria provided, single submitter. Criteria: Invitae Variant Classification Sherloc (09022015). Collection method: clinical testing. Allele origin: germline.
Comment: This variant has not been reported in the literature in individuals affected with MAGEL2-related conditions. This variant is present in population databases (no rsID available, gnomAD 0.009%). This sequence change replaces proline, which is neutral and non-polar, with leucine, which is neutral and non-polar, at codon 168 of the MAGEL2 protein (p.Pro168Leu). Experimental studies and prediction algorithms are not available or were not evaluated, and the functional significance of this variant is currently unknown. In summary, the available evidence is currently insufficient to determine the role of this variant in disease. Therefore, it has been classified as a Variant of Uncertain Significance.